The following is an entry in ClinVar:

NM_002691.4(POLD1):c.3071C>G (p.Ala1024Gly)

Gene: POLD1 (DNA polymerase delta 1, catalytic subunit; plus strand). Cytogenetic location: 19q13.33.
Variant type: single nucleotide variant.
Coding change: c.3071C>G on transcript NM_002691.4 (MANE Select); coding-DNA position 3071, C replaced by G.
Protein change: p.Ala1024Gly; replaces alanine 1024 with glycine.
Molecular consequence: missense variant. On other transcripts: non-coding transcript variant (1).
Genome position (GRCh38, 1-based): chr19:50,417,048, C>G. VCF-style: chr19-50417048-C-G. GRCh37 (hg19) VCF-style: chr19-50920305-C-G.
Other names: c.3071C>G, p.Ala1024Gly (NM_001256849.1); c.3149C>G, p.Ala1050Gly (NM_001308632.1); short protein forms A1024G, A1050G.
Identifiers: ClinVar variation 3222730 (VCV003222730.1), dbSNP rs2514074351, ClinGen allele CA406987056.

ClinVar aggregate classification (germline): Uncertain significance (1 of 4 stars; one submission).

Conditions:
Hereditary cancer-predisposing syndrome. Also called: Tumor predisposition; Hereditary neoplastic syndrome; Hereditary Cancer Syndrome; Neoplastic Syndromes, Hereditary. Identifiers: Orphanet 140162, MedGen C0027672, MeSH D009386, MONDO:0015356.

Submission:

Ambry Genetics
Classification: Uncertain significance for Hereditary cancer-predisposing syndrome. Last evaluated: 2024-02-24. Review status: criteria provided, single submitter. Criteria: Ambry Variant Classification Scheme 2023. Collection method: clinical testing. Allele origin: germline.
Comment: The p.A1024G variant (also known as c.3071C>G), located in coding exon 24 of the POLD1 gene, results from a C to G substitution at nucleotide position 3071. The alanine at codon 1024 is replaced by glycine, an amino acid with similar properties. This amino acid position is conserved. In addition, this alteration is predicted to be tolerated by in silico analysis. Based on the available evidence, the clinical significance of this alteration remains unclear.